The following is an entry in ClinVar:

NM_001267550.2(TTN):c.87733T>G (p.Trp29245Gly)

Genes: TTN (titin; minus strand), TTN-AS1 (TTN antisense RNA 1; plus strand). Cytogenetic location: 2q31.2.
Variant type: single nucleotide variant.
Coding change: c.87733T>G on transcript NM_001267550.2 (MANE Select); coding-DNA position 87733, T replaced by G.
Protein change: p.Trp29245Gly; replaces tryptophan 29245 with glycine.
Molecular consequence: missense variant.
Genome position (GRCh38, 1-based): chr2:178,557,529, A>C on the plus strand (T>G on the coding strand, the complement: TTN is on the minus strand). VCF-style: chr2-178557529-A-C. GRCh37 (hg19) VCF-style: chr2-179422256-A-C.
Other names: c.82810T>G, p.Trp27604Gly (NM_001256850.1); c.60538T>G, p.Trp20180Gly (NM_003319.4); c.80029T>G, p.Trp26677Gly (NM_133378.4); c.60913T>G, p.Trp20305Gly (NM_133432.3); c.61114T>G, p.Trp20372Gly (NM_133437.4); short protein forms W20305G, W20372G, W20180G, W26677G, W27604G, W29245G.
Identifiers: ClinVar variation 1751287 (VCV001751287.2), dbSNP rs771722716, ClinGen allele CA349534530.

ClinVar aggregate classification (germline): Uncertain significance (1 of 4 stars; one submission).

Conditions:
Cardiovascular phenotype. Identifiers: MedGen CN230736.

gnomAD v4.1: 4 of 1,613,930 alleles (0.00025%); highest among the groups gnomAD compares: Non-Finnish European, 0.00034%; no homozygotes.

Submission:

Ambry Genetics
Classification: Uncertain significance for Cardiovascular phenotype. Last evaluated: 2019-05-29. Review status: criteria provided, single submitter. Criteria: Ambry Variant Classification Scheme 2023. Collection method: clinical testing. Allele origin: germline.
Comment: The p.W20180G variant (also known as c.60538T>G), located in coding exon 156 of the TTN gene, results from a T to G substitution at nucleotide position 60538. The tryptophan at codon 20180 is replaced by glycine, an amino acid with highly dissimilar properties. This amino acid position is well conserved in available vertebrate species. In addition, this alteration is predicted to be tolerated by in silico analysis. Since supporting evidence is limited at this time, the clinical significance of this alteration remains unclear.